The following is an entry in ClinVar:

NM_001367624.2(ZNF469):c.334G>A (p.Ala112Thr)

Gene: ZNF469 (zinc finger protein 469; plus strand). Cytogenetic location: 16q24.2.
Variant type: single nucleotide variant.
Coding change: c.334G>A on transcript NM_001367624.2 (MANE Select); coding-DNA position 334, G replaced by A.
Protein change: p.Ala112Thr; replaces alanine 112 with threonine.
Molecular consequence: missense variant.
Genome position (GRCh38, 1-based): chr16:88,427,804, G>A. VCF-style: chr16-88427804-G-A. GRCh37 (hg19) VCF-style: chr16-88494212-G-A.
Other names: NM_001127464.1:c.334G>A; NM_001127464.2:c.334G>A; short protein forms A112T.
Identifiers: ClinVar variation 451642 (VCV000451642.9), dbSNP rs766853024, ClinGen allele CA8224581.

ClinVar aggregate classification (germline): Conflicting classifications of pathogenicity. Review status: criteria provided, conflicting classifications (1 of 4 stars). 5 submissions from 5 submitters: Uncertain significance (3); Likely benign (1). 1 of the submissions does not count toward it. Last evaluated 2026-01-14.

Conditions:
ZNF469-related disorder. Also called: ZNF469-related condition.
Cardiovascular phenotype. Identifiers: MedGen CN230736.

Allele frequency attached by ClinVar (database versions not stated): gnomAD exomes 0.00001 and 0.00002; gnomAD 0.00015 and 0.00016; TOPMed 0.00017; ExAC 0.00025.
gnomAD v4.1: 41 of 1,547,736 alleles (0.0026%); highest among the groups gnomAD compares: African/African-American, 0.055%; no homozygotes.

Submissions (5):

Women's Health and Genetics/Laboratory Corporation of America, LabCorp
Classification: Uncertain significance. Last evaluated: 2026-01-14. Review status: criteria provided, single submitter. Criteria: LabCorp Variant Classification Summary - May 2015. Collection method: clinical testing. Allele origin: germline.
Comment: Variant summary: ZNF469 c.334G>A (p.Ala112Thr) results in a non-conservative amino acid change in the encoded protein sequence. Algorithms developed to predict the effect of missense changes on protein structure and function are either unavailable or do not agree on the potential impact of this missense change. The variant allele was found at a frequency of 2.1e-05 in 142176 control chromosomes. The available data on variant occurrences in the general population are insufficient to allow any conclusion about variant significance. To our knowledge, no occurrence of c.334G>A in individuals affected with ZNF469-related conditions and no experimental evidence demonstrating its impact on protein function have been reported. ClinVar contains an entry for this variant (Variation ID: 451642). Based on the evidence outlined above, the variant was classified as uncertain significance.

Labcorp Genetics (formerly Invitae), Labcorp
Classification: Uncertain significance. Last evaluated: 2024-04-15. Review status: criteria provided, single submitter. Criteria: Invitae Variant Classification Sherloc (09022015). Collection method: clinical testing. Allele origin: germline.
Comment: This sequence change replaces alanine, which is neutral and non-polar, with threonine, which is neutral and polar, at codon 112 of the ZNF469 protein (p.Ala112Thr). The frequency data for this variant in the population databases is considered unreliable, as metrics indicate poor data quality at this position in the gnomAD database. This variant has not been reported in the literature in individuals affected with ZNF469-related conditions. ClinVar contains an entry for this variant (Variation ID: 451642). An algorithm developed to predict the effect of missense changes on protein structure and function (PolyPhen-2) suggests that this variant¬†is likely to be tolerated. In summary, the available evidence is currently insufficient to determine the role of this variant in disease. Therefore, it has been classified as a Variant of Uncertain Significance.

Ambry Genetics
Classification: Likely benign for Cardiovascular phenotype. Last evaluated: 2023-08-04. Review status: criteria provided, single submitter. Criteria: Ambry Variant Classification Scheme 2023. Collection method: clinical testing. Allele origin: germline.

GeneDx
Classification: Uncertain significance. Last evaluated: 2017-08-29. Review status: criteria provided, single submitter. Criteria: GeneDx Variant Classification (06012015). Collection method: clinical testing. Allele origin: germline. Affected: yes.
Comment: A variant of uncertain significance has been identified in the ZNF469 gene. The A112T variant has not been published as pathogenic or been reported as benign to our knowledge. This variant is not observed at a significant frequency in large population cohorts (Lek et al., 2016; 1000 Genomes Consortium et al., 2015; Exome Variant Server). The A112T variant is a non-conservative amino acid substitution, which is likely to impact secondary protein structure as these residues differ in polarity, charge, size and/or other properties. However, this substitution occurs at a position that is not conserved across species and where threonine (T) is present as the wild type in several species. In silico analysis predicts this variant likely does not alter the protein structure/function.

PreventionGenetics, part of Exact Sciences
Classification: Uncertain significance for ZNF469-related condition. Last evaluated: 2024-02-02. Review status: no assertion criteria provided. Collection method: clinical testing. Allele origin: germline. Not counted in ClinVar's aggregate classification.
Comment: The ZNF469 c.334G>A variant is predicted to result in the amino acid substitution p.Ala112Thr. To our knowledge, this variant has not been reported in the literature. This variant is reported in 0.053% of alleles in individuals of African descent in gnomAD. Although we suspect that this variant may be benign, at this time, the clinical significance of this variant is uncertain due to the absence of conclusive functional and genetic evidence.